The following is an entry in ClinVar:

NM_020706.2(SCAF4):c.749del (p.Pro250fs)

Gene: SCAF4 (SR-related CTD associated factor 4; minus strand). Cytogenetic location: 21q22.11.
Variant type: Deletion.
Coding change: c.749del on transcript NM_020706.2 (MANE Select); coding-DNA position 749, one base deleted (C; older notation c.749delC).
Protein change: p.Pro250fs; shifts the reading frame from proline 250.
Molecular consequence: frameshift variant.
Genome position (GRCh38, 1-based): chr21:31,701,023, G deleted on the plus strand (C on the coding strand, the reverse complement: SCAF4 is on the minus strand); the first of 6 consecutive G bases (chr21:31,701,023-31,701,028); deleting any one gives the same sequence. VCF-style (leftmost placement, unchanged base first): chr21-31701022-TG-T. GRCh37 (hg19) VCF-style: chr21-33073335-TG-T.
Other names: c.704del, p.Pro235fs (NM_001145444.1); c.749del, p.Pro250fs (NM_001145445.1); c.749delC (NM_020706.2); short protein forms P235fs, P250fs.
Identifiers: ClinVar variation 1699102 (VCV001699102.3), dbSNP rs2123578933, ClinGen allele CA512115338.
Genomic context (GRCh38, chr21:31,701,022, plus strand): 5'-AATGGTGGGGTGGGTTATGTGAGAGAAATATACCTTGTCAAATGCAGTTTTCTGTTCAGG[TG>T]GGGGGAAAGCAGCTTTTTGTTCAGATGGTTGTGTAGGAGTTGTCTTTAACTGAGCTGTGA-3'

ClinVar aggregate classification (germline): Pathogenic (1 of 4 stars; one submission).

Conditions:
Complex neurodevelopmental disorder. Identifiers: Orphanet 528084, MedGen C5568766, MONDO:0100038.

Submission:

Victorian Clinical Genetics Services, Murdoch Childrens Research Institute
Classification: Pathogenic for Complex neurodevelopmental disorder. Last evaluated: 2022-03-31. Review status: criteria provided, single submitter. Criteria: ACMG Guidelines, 2015. Collection method: clinical testing. Allele origin: germline. Inheritance: Autosomal dominant inheritance. Affected: yes.
Comment: Based on the classification scheme VCGS_Germline_v1.3.4, this variant is classified as Pathogenic. Following criteria are met: 0102 - Loss of function is a known mechanism of disease in this gene and is associated with neurodevelopmental disorder, SCAF4-related (MONDO#0700092). (I) 0107 - This gene is associated with autosomal dominant disease. (I) 0112 - The condition associated with this gene has incomplete penetrance. An individual with a neurodevelopmental disorder was found to carry the same SCAF4 NMD-predicted variant as their unaffected mother (PMID: 32730804). (I) 0115 - Variants in this gene are known to have variable expressivity (PMID: 32730804). (I) 0201 - Variant is predicted to cause nonsense-mediated decay (NMD) and loss of protein (premature termination codon is located at least 54 nucleotides upstream of the final exon-exon junction). (SP) 0251 - This variant is heterozygous. (I) 0301 - Variant is absent from gnomAD (both v2 and v3). (SP) 0701 - Other NMD-predicted variants comparable to the one identified in this case have very strong previous evidence for pathogenicity (DECIPHER, PMID: 32730804). (SP) 0807 - This variant has no previous evidence of pathogenicity. (I) 0905 - No published segregation evidence has been identified for this variant. (I) 1007 - No published functional evidence has been identified for this variant. (I) Legend: (SP) - Supporting pathogenic, (I) - Information, (SB) - Supporting benign

Literature cited by the submitters: PubMed 32730804.